The following is an entry in ClinVar:

NM_006214.4(PHYH):c.375_376del (p.Glu126fs)

Gene: PHYH (phytanoyl-CoA 2-hydroxylase; minus strand). Cytogenetic location: 10p13.
Variant type: Deletion.
Coding change: c.375_376del on transcript NM_006214.4 (MANE Select); coding-DNA positions 375 to 376, 2 bases deleted (GG; older notation c.375_376delGG).
Protein change: p.Glu126fs; shifts the reading frame from glutamic acid 126.
Molecular consequence: frameshift variant.
Genome position (GRCh38, 1-based): chr10:13,294,466-13,294,467, CC deleted on the plus strand (GG on the coding strand, the reverse complement: PHYH is on the minus strand). VCF-style (leftmost placement, unchanged base first): chr10-13294465-TCC-T. GRCh37 (hg19) VCF-style: chr10-13336465-TCC-T.
Other names: c.75_76del, p.Glu26fs (NM_001037537.2, NM_001323080.2, NM_001323084.2); c.375_376del, p.Glu126fs (NM_001323082.2, NM_001323083.2); short protein forms E26fs, E126fs.
Identifiers: ClinVar variation 962882 (VCV000962882.12), dbSNP rs1435262914, ClinGen allele CA661899932.

ClinVar aggregate classification (germline): Pathogenic/Likely pathogenic. Review status: criteria provided, multiple submitters, no conflicts (2 of 4 stars). 3 submissions from 3 submitters: Pathogenic (2); Likely pathogenic (1). Last evaluated 2023-10-13.

Conditions:
Refsum disease, classic. Also called: PHYH-Related Refsum Disease; HEREDOPATHIA ATACTICA POLYNEURITIFORMIS; HMSN IV; PHYTANIC ACID OXIDASE DEFICIENCY. Identifiers: Orphanet 773, MedGen C5780941, MONDO:1060256, OMIM 266500. Disease mechanism: loss of function.
PHYH-related disorder. Also called: PHYH-related condition.

Allele frequency attached by ClinVar (database versions not stated): gnomAD 0.00003; TOPMed 0.00003; gnomAD exomes below 0.00001.

Submissions (3):

Labcorp Genetics (formerly Invitae), Labcorp
Classification: Pathogenic. Last evaluated: 2023-10-13. Review status: criteria provided, single submitter. Criteria: Invitae Variant Classification Sherloc (09022015). Collection method: clinical testing. Allele origin: germline.
Comment: This sequence change creates a premature translational stop signal (p.Glu126Argfs*2) in the PHYH gene. It is expected to result in an absent or disrupted protein product. Loss-of-function variants in PHYH are known to be pathogenic (PMID: 9326940, 14974078). This variant is not present in population databases (gnomAD no frequency). This premature translational stop signal has been observed in individual(s) with Refsum disease (PMID: 14974078). ClinVar contains an entry for this variant (Variation ID: 962882). Algorithms developed to predict the effect of sequence changes on RNA splicing suggest that this variant may disrupt the consensus splice site. For these reasons, this variant has been classified as Pathogenic.

Baylor Genetics
Classification: Pathogenic for Refsum disease, classic. Last evaluated: 2022-02-22. Review status: criteria provided, single submitter. Criteria: ACMG Guidelines, 2015. Collection method: clinical testing. Allele origin: unknown.

Blueprint Genetics
Classification: Likely pathogenic for PHYH-related disorders. Last evaluated: 2021-07-16. Review status: criteria provided, single submitter. Criteria: ACMG Guidelines, 2015. Collection method: clinical testing. Allele origin: germline. Affected: yes. Observed: 2 variant alleles.

Literature cited by the submitters: PubMed 9326940 (cited by Labcorp Genetics (formerly Invitae), Labcorp); PubMed 14974078 (cited by Labcorp Genetics (formerly Invitae), Labcorp).